The following is an entry in ClinVar:

ClinVar aggregate classification (germline): Uncertain significance (1 of 4 stars; one submission).

gnomAD v4.1: 30 of 1,612,168 alleles (0.0019%); highest among the groups gnomAD compares: South Asian, 0.011%; no homozygotes.

Submission:

Labcorp Genetics (formerly Invitae), Labcorp
Classification: Uncertain significance. Last evaluated: 2025-03-22. Review status: criteria provided, single submitter. Criteria: Invitae Variant Classification Sherloc (09022015). Collection method: clinical testing. Allele origin: germline.
Comment: This sequence change replaces threonine, which is neutral and polar, with methionine, which is neutral and non-polar, at codon 232 of the IMPDH1 protein (p.Thr232Met). This variant is present in population databases (rs145251520, gnomAD 0.02%). This variant has not been reported in the literature in individuals affected with IMPDH1-related conditions. An algorithm developed to predict the effect of missense changes on protein structure and function (PolyPhen-2) suggests that this variant is likely to be disruptive. In summary, the available evidence is currently insufficient to determine the role of this variant in disease. Therefore, it has been classified as a Variant of Uncertain Significance.

NM_000883.4(IMPDH1):c.695C>T (p.Thr232Met)

Gene: IMPDH1 (inosine monophosphate dehydrogenase 1; minus strand). Cytogenetic location: 7q32.1.
Variant type: single nucleotide variant.
Coding change: c.695C>T on transcript NM_000883.4 (MANE Select); coding-DNA position 695, C replaced by T.
Protein change: p.Thr232Met; replaces threonine 232 with methionine.
Molecular consequence: missense variant.
Genome position (GRCh38, 1-based): chr7:128,400,424, G>A on the plus strand (C>T on the coding strand, the complement: IMPDH1 is on the minus strand). VCF-style: chr7-128400424-G-A. GRCh37 (hg19) VCF-style: chr7-128040478-G-A.
Other names: c.665C>T, p.Thr222Met (NM_001102605.2); c.440C>T, p.Thr147Met (NM_001142573.2); c.425C>T, p.Thr142Met (NM_001142574.2); c.365C>T, p.Thr122Met (NM_001142575.2); c.596C>T, p.Thr199Met (NM_001142576.2); c.488C>T, p.Thr163Met (NM_001304521.2); c.587C>T, p.Thr196Met (NM_183243.3); short protein forms T163M, T232M, T199M, T222M, T142M, T122M, T147M, T196M.
Identifiers: ClinVar variation 4742751 (VCV004742751.1).
Genomic context (GRCh38, chr7:128,400,424, plus strand): 5'-GCAAGAAAGTCGATGTCTCGGGAGGTGACGATGCCCACCAGCTTGCTGCCCATGGTGCCC[G>A]TCTCAGTGATGGGGATGCCAGAGAAGCCATGCCGCATCTTGGCCTCCAGCACATCGCCCA-3'
Protein context (NP_000874.2, residues 222-242): HGFSGIPITE[Thr232Met]GTMGSKLVGI